The following is an entry in ClinVar:

ClinVar aggregate classification (germline): Uncertain significance (1 of 4 stars; one submission).

Allele frequency attached by ClinVar (database versions not stated): ExAC 0.00001; gnomAD exomes 0.00001; ESP Exome Variant Server 0.00008.
gnomAD v4.1: 23 of 1,606,326 alleles (0.0014%); highest among the groups gnomAD compares: Non-Finnish European, 0.0017%; no homozygotes.

Submission:

Labcorp Genetics (formerly Invitae), Labcorp
Classification: Uncertain significance. Last evaluated: 2022-08-09. Review status: criteria provided, single submitter. Criteria: Invitae Variant Classification Sherloc (09022015). Collection method: clinical testing. Allele origin: germline.
Comment: In summary, the available evidence is currently insufficient to determine the role of this variant in disease. Therefore, it has been classified as a Variant of Uncertain Significance. Algorithms developed to predict the effect of missense changes on protein structure and function (SIFT, PolyPhen-2, Align-GVGD) all suggest that this variant is likely to be tolerated. This variant has not been reported in the literature in individuals affected with CHD8-related conditions. This variant is present in population databases (rs376813786, gnomAD 0.0009%). This sequence change replaces valine, which is neutral and non-polar, with alanine, which is neutral and non-polar, at codon 2294 of the CHD8 protein (p.Val2294Ala).

NM_001170629.2(CHD8):c.6881T>C (p.Val2294Ala)

Genes: CHD8 (chromodomain helicase DNA binding protein 8; minus strand), LOC126861888 (CDK7 strongly-dependent group 2 enhancer GRCh37_chr14:21859227-21860426; plus strand). Cytogenetic location: 14q11.2.
Variant type: single nucleotide variant.
Coding change: c.6881T>C on transcript NM_001170629.2 (MANE Select); coding-DNA position 6881, T replaced by C.
Protein change: p.Val2294Ala; replaces valine 2294 with alanine.
Molecular consequence: missense variant.
Genome position (GRCh38, 1-based): chr14:21,391,837, A>G on the plus strand (T>C on the coding strand, the complement: CHD8 is on the minus strand). VCF-style: chr14-21391837-A-G. GRCh37 (hg19) VCF-style: chr14-21859996-A-G.
Other names: c.6044T>C, p.Val2015Ala (NM_020920.4); short protein forms V2015A, V2294A.
Identifiers: ClinVar variation 1902003 (VCV001902003.5), dbSNP rs376813786, ClinGen allele CA7090664.
Genomic context (GRCh38, chr14:21,391,837, plus strand): 5'-ATTGGGAATAAAAAGACAATCTAATCGTCAGGTTAAAGACTTTCTCTACCACTCACCTCT[A>G]CTAGCTTCTTTCTGTTCCCCTTCTTCTTATGAAACAGTGGATGTCCATCTCCCATTACTC-3'
Protein context (NP_001164100.1, residues 2284-2304): HKKKGNRKKL[Val2294Ala]ELEVECMEEP